The following is an entry in ClinVar:

Conditions:
Long QT syndrome 5 (LQT5). Identifiers: Orphanet 101016, Orphanet 768, MedGen C1867904, MONDO:0013372, OMIM 613695.

Submission:

Roden Lab, Vanderbilt University Medical Center
No classification provided (evidence only). Condition: Long QT syndrome 5. Review status: no classification provided. Collection method: in vitro. Allele origin: not applicable. Functional consequence: Effect on ion channel function.
ClinVar note: "not provided" was previously submitted as the classification for the variant. However, the classification appeared to be based only on an observation of functional data so it was converted to no classification on 2025-07-30.

NM_000219.6(KCNE1):c.325G>C (p.Val109Leu)

Gene: KCNE1 (potassium voltage-gated channel subfamily E regulatory subunit 1; minus strand). Cytogenetic location: 21q22.12.
Variant type: single nucleotide variant.
Coding change: c.325G>C on transcript NM_000219.6 (MANE Select); coding-DNA position 325, G replaced by C.
Protein change: p.Val109Leu; replaces valine 109 with leucine.
Molecular consequence: missense variant.
Genome position (GRCh38, 1-based): chr21:34,449,310, C>G on the plus strand (G>C on the coding strand, the complement: KCNE1 is on the minus strand). VCF-style: chr21-34449310-C-G. GRCh37 (hg19) VCF-style: chr21-35821608-C-G.
Other names: c.325G>C, p.Val109Leu (NM_001127668.4, NM_001127669.4, NM_001127670.4 and 4 more transcripts); short protein forms V109L.
Identifiers: ClinVar variation 3374643 (VCV003374643.2).
Genomic context (GRCh38, chr21:34,449,310, plus strand): 5'-GGGAAGGCTTCGTCTCAGGAAGGTGTGTGTTGGGTTGTTCTATGGCCAGATGGTTTTCAA[C>G]GACATAGCACGACCTGTAGCTCTCCAGGACCCGGGCCTGGACATAGGCCTTGTCCTTCTC-3'
Protein context (NP_000210.2, residues 99-119): VLESYRSCYV[Val109Leu]ENHLAIEQPN